The following is an entry in ClinVar:

ClinVar aggregate classification (germline): Benign/Likely benign. Review status: criteria provided, multiple submitters, no conflicts (2 of 4 stars). 6 submissions from 6 submitters: Benign (5); Likely benign (1). Last evaluated 2026-01-28.

Conditions:
Cardiovascular phenotype. Identifiers: MedGen CN230736.

Allele frequency attached by ClinVar (database versions not stated): gnomAD exomes 0.00079 and 0.00240; ExAC 0.00292; gnomAD 0.00881 and 0.00946; 1000 Genomes Project 0.00958; TOPMed 0.00962; 1000 Genomes Project 30x 0.00968; ESP Exome Variant Server 0.01030.
gnomAD v4.1: 2,553 of 1,613,408 alleles (0.16%); highest among the groups gnomAD compares: African/African-American, 2.9%; 34 homozygotes.

Submissions (6):

Labcorp Genetics (formerly Invitae), Labcorp
Classification: Benign. Last evaluated: 2026-01-28. Review status: criteria provided, single submitter. Criteria: Invitae Variant Classification Sherloc (09022015). Collection method: clinical testing. Allele origin: germline.

Women's Health and Genetics/Laboratory Corporation of America, LabCorp
Classification: Likely benign. Last evaluated: 2026-01-22. Review status: criteria provided, single submitter. Criteria: LabCorp Variant Classification Summary - May 2015. Collection method: clinical testing. Allele origin: germline.

Mayo Clinic Laboratories, Mayo Clinic
Classification: Benign. Last evaluated: 2023-10-31. Review status: criteria provided, single submitter. Criteria: ACMG Guidelines, 2015. Collection method: clinical testing. Allele origin: germline. Observed: 5 variant alleles.
Comment: BS1, BS2, BP4, BP7

Ambry Genetics
Classification: Benign for Cardiovascular phenotype. Last evaluated: 2019-07-15. Review status: criteria provided, single submitter. Criteria: Ambry Variant Classification Scheme 2023. Collection method: clinical testing. Allele origin: germline.

GeneDx
Classification: Benign. Last evaluated: 2016-11-08. Review status: criteria provided, single submitter. Criteria: GeneDx Variant Classification (06012015). Collection method: clinical testing. Allele origin: germline. Affected: yes.
Comment: This variant is considered likely benign or benign based on one or more of the following criteria: it is a conservative change, it occurs at a poorly conserved position in the protein, it is predicted to be benign by multiple in silico algorithms, and/or has population frequency not consistent with disease.

Breakthrough Genomics
Classification: Benign. Review status: criteria provided, single submitter. Criteria: ACMG Guidelines, 2015. Collection method: not provided. Allele origin: germline. Inheritance: Autosomal recessive inheritance. Affected: yes.

NM_018699.4(PRDM5):c.1383T>C (p.Tyr461=)

Gene: PRDM5 (PR/SET domain 5; minus strand). Cytogenetic location: 4q27.
Variant type: single nucleotide variant.
Coding change: c.1383T>C on transcript NM_018699.4 (MANE Select); coding-DNA position 1383, T replaced by C.
Protein change: p.Tyr461=; no amino-acid change (tyrosine 461 retained).
Molecular consequence: synonymous variant.
Genome position (GRCh38, 1-based): chr4:120,781,203, A>G on the plus strand (T>C on the coding strand, the complement: PRDM5 is on the minus strand). VCF-style: chr4-120781203-A-G. GRCh37 (hg19) VCF-style: chr4-121702358-A-G.
Other names: p.Tyr461=; c.1290T>C, p.Tyr430= (NM_001300823.2, NM_001300824.2, NM_001379106.1); c.1416T>C, p.Tyr472= (NM_001379104.1).
Identifiers: ClinVar variation 390577 (VCV000390577.15), dbSNP rs55774575, ClinGen allele CA3061063.